The following is an entry in ClinVar:

NM_152296.5(ATP1A3):c.3022G>A (p.Glu1008Lys)

Gene: ATP1A3 (ATPase Na+/K+ transporting subunit alpha 3; minus strand). Cytogenetic location: 19q13.2.
Variant type: single nucleotide variant.
Coding change: c.3022G>A on transcript NM_152296.5 (MANE Select); coding-DNA position 3022, G replaced by A.
Protein change: p.Glu1008Lys; replaces glutamic acid 1008 with lysine.
Molecular consequence: missense variant.
Genome position (GRCh38, 1-based): chr19:41,966,957, C>T on the plus strand (G>A on the coding strand, the complement: ATP1A3 is on the minus strand). VCF-style: chr19-41966957-C-T. GRCh37 (hg19) VCF-style: chr19-42471109-C-T.
Other names: c.3055G>A, p.Glu1019Lys (NM_001256213.2); c.3061G>A, p.Glu1021Lys (NM_001256214.2); short protein forms E1008K, E1019K, E1021K.
Identifiers: ClinVar variation 2710815 (VCV002710815.3), dbSNP rs2514022253, ClinGen allele CA406034845.

ClinVar aggregate classification (germline): Uncertain significance (1 of 4 stars; one submission).

Conditions:
Dystonia 12 (DYT12). Also called: DYT-ATP1A3; Rapid-Onset Dystonia-Parkinsonism (RDP). Identifiers: Orphanet 71517, MedGen C1868681, MONDO:0007496, OMIM 128235.

Allele frequency attached by ClinVar (database versions not stated): gnomAD exomes below 0.00001.
gnomAD v4.1: 1 of 1,551,278 alleles (0.000064%); highest among the groups gnomAD compares: Non-Finnish European, 0.000087%; no homozygotes.

Submission:

Labcorp Genetics (formerly Invitae), Labcorp
Classification: Uncertain significance for Dystonia 12. Last evaluated: 2024-01-22. Review status: criteria provided, single submitter. Criteria: Invitae Variant Classification Sherloc (09022015). Collection method: clinical testing. Allele origin: germline.
Comment: This sequence change replaces glutamic acid, which is acidic and polar, with lysine, which is basic and polar, at codon 1008 of the ATP1A3 protein (p.Glu1008Lys). This variant is not present in population databases (gnomAD no frequency). This variant has not been reported in the literature in individuals affected with ATP1A3-related conditions. Advanced modeling of protein sequence and biophysical properties (such as structural, functional, and spatial information, amino acid conservation, physicochemical variation, residue mobility, and thermodynamic stability) performed at Invitae indicates that this missense variant is expected to disrupt ATP1A3 protein function with a positive predictive value of 95%. In summary, the available evidence is currently insufficient to determine the role of this variant in disease. Therefore, it has been classified as a Variant of Uncertain Significance.